The following is an entry in ClinVar:

NM_000088.4(COL1A1):c.1673C>A (p.Pro558His)

Gene: COL1A1 (collagen type I alpha 1 chain; minus strand). Cytogenetic location: 17q21.33.
Variant type: single nucleotide variant.
Coding change: c.1673C>A on transcript NM_000088.4 (MANE Select); coding-DNA position 1673, C replaced by A.
Protein change: p.Pro558His; replaces proline 558 with histidine.
Molecular consequence: missense variant.
Genome position (GRCh38, 1-based): chr17:50,194,037, G>T on the plus strand (C>A on the coding strand, the complement: COL1A1 is on the minus strand). VCF-style: chr17-50194037-G-T. GRCh37 (hg19) VCF-style: chr17-48271398-G-T.
Other names: short protein forms P558H.
Identifiers: ClinVar variation 1684122 (VCV001684122.3), dbSNP rs1434840230, ClinGen allele CA400215612.

ClinVar aggregate classification (germline): Uncertain significance. Review status: criteria provided, multiple submitters, no conflicts (2 of 4 stars). 2 submissions from 2 submitters: Uncertain significance (2). Last evaluated 2025-05-26.

Conditions:
Osteogenesis imperfecta type I (OI1). Also called: Lobstein's Disease; Osteogenesis imperfecta type 1; Classic Non-deforming Osteogenesis Imperfecta with Blue Sclerae; OI, TYPE I; OSTEOGENESIS IMPERFECTA TARDA; OSTEOGENESIS IMPERFECTA WITH BLUE SCLERAE. Identifiers: Orphanet 216796, Orphanet 666, MedGen C0023931, MONDO:0008146, OMIM 166200. Disease mechanism: loss of function.

Allele frequency attached by ClinVar (database versions not stated): TOPMed below 0.00001; gnomAD exomes 0.00001.
gnomAD v4.1: 3 of 1,613,828 alleles (0.00019%); highest among the groups gnomAD compares: Admixed American, 0.005%; no homozygotes.

Submissions (2):

Labcorp Genetics (formerly Invitae), Labcorp
Classification: Uncertain significance for Osteogenesis imperfecta type I. Last evaluated: 2025-05-26. Review status: criteria provided, single submitter. Criteria: Invitae Variant Classification Sherloc (09022015). Collection method: clinical testing. Allele origin: germline.
Comment: This sequence change replaces proline, which is neutral and non-polar, with histidine, which is basic and polar, at codon 558 of the COL1A1 protein (p.Pro558His). This variant is present in population databases (no rsID available, gnomAD 0.006%). This variant has not been reported in the literature in individuals affected with COL1A1-related conditions. ClinVar contains an entry for this variant (Variation ID: 1684122). Invitae Evidence Modeling of protein sequence and biophysical properties (such as structural, functional, and spatial information, amino acid conservation, physicochemical variation, residue mobility, and thermodynamic stability) has been performed for this missense variant. However, the output from this modeling did not meet the statistical confidence thresholds required to predict the impact of this variant on COL1A1 protein function. In summary, the available evidence is currently insufficient to determine the role of this variant in disease. Therefore, it has been classified as a Variant of Uncertain Significance.

GeneDx
Classification: Uncertain significance. Last evaluated: 2022-05-13. Review status: criteria provided, single submitter. Criteria: GeneDx Variant Classification Process June 2021. Collection method: clinical testing. Allele origin: germline. Affected: yes.
Comment: Has not been previously published as pathogenic or benign to our knowledge; Not observed at significant frequency in large population cohorts (gnomAD); In silico analysis supports that this missense variant has a deleterious effect on protein structure/function; Occurs in the triple helical domain at the X position in the canonical Gly-X-Y repeat; although this variant may have an effect on normal protein folding and function, missense substitution at the X position is not a common mechanism of disease (HGMD); This variant is associated with the following publications: (PMID: 24077912)